The following is an entry in ClinVar:

NM_024675.4(PALB2):c.2466G>C (p.Gln822His)

Gene: PALB2 (partner and localizer of BRCA2; minus strand). Cytogenetic location: 16p12.2.
Variant type: single nucleotide variant.
Coding change: c.2466G>C on transcript NM_024675.4 (MANE Select); coding-DNA position 2466, G replaced by C.
Protein change: p.Gln822His; replaces glutamine 822 with histidine.
Molecular consequence: missense variant.
Genome position (GRCh38, 1-based): chr16:23,629,688, C>G on the plus strand (G>C on the coding strand, the complement: PALB2 is on the minus strand). VCF-style: chr16-23629688-C-G. GRCh37 (hg19) VCF-style: chr16-23641009-C-G.
Other names: c.2406G>C, p.Gln802His (NM_001407296.1); c.2466G>C, p.Gln822His (NM_001407297.1, NM_001407298.1, NM_001407299.1 and 3 more transcripts); c.1581G>C, p.Gln527His (NM_001407304.1, NM_001407305.1, NM_001407306.1 and 5 more transcripts); c.678G>C, p.Gln226His (NM_001407312.1, NM_001407313.1); short protein forms Q226H, Q822H, Q527H, Q802H.
Identifiers: ClinVar variation 1791691 (VCV001791691.5), dbSNP rs1157451265, ClinGen allele CA395124095.

ClinVar aggregate classification (germline): Uncertain significance. Review status: criteria provided, multiple submitters, no conflicts (2 of 4 stars). 2 submissions from 2 submitters: Uncertain significance (2). Last evaluated 2026-01-31.

Conditions:
Hereditary cancer-predisposing syndrome. Also called: Tumor predisposition; Hereditary Cancer Syndrome; Hereditary neoplastic syndrome; Neoplastic Syndromes, Hereditary. Identifiers: Orphanet 140162, MedGen C0027672, MeSH D009386, MONDO:0015356.
Familial cancer of breast. Also called: BREAST CANCER, FAMILIAL; hereditary breast carcinoma; Hereditary breast cancer. Identifiers: Orphanet 227535, MedGen C0346153, MONDO:0016419, OMIM 114480. Disease mechanism: loss of function.

Submissions (2):

Labcorp Genetics (formerly Invitae), Labcorp
Classification: Uncertain significance for Familial cancer of breast. Last evaluated: 2026-01-31. Review status: criteria provided, single submitter. Criteria: Invitae Variant Classification Sherloc (09022015). Collection method: clinical testing. Allele origin: germline.
Comment: This sequence change replaces glutamine, which is neutral and polar, with histidine, which is basic and polar, at codon 822 of the PALB2 protein (p.Gln822His). This variant is not present in population databases (gnomAD no frequency). This variant has not been reported in the literature in individuals affected with PALB2-related conditions. ClinVar contains an entry for this variant (Variation ID: 1791691). Invitae Evidence Modeling of protein sequence and biophysical properties (such as structural, functional, and spatial information, amino acid conservation, physicochemical variation, residue mobility, and thermodynamic stability) indicates that this missense variant is expected to disrupt PALB2 protein function with a positive predictive value of 80%. In summary, the available evidence is currently insufficient to determine the role of this variant in disease. Therefore, it has been classified as a Variant of Uncertain Significance.

Ambry Genetics
Classification: Uncertain significance for Hereditary cancer-predisposing syndrome. Last evaluated: 2025-12-20. Review status: criteria provided, single submitter. Criteria: Ambry Variant Classification Scheme 2023. Collection method: clinical testing. Allele origin: germline.
Comment: The p.Q822H variant (also known as c.2466G>C), located in coding exon 5 of the PALB2 gene, results from a G to C substitution at nucleotide position 2466. The glutamine at codon 822 is replaced by histidine, an amino acid with highly similar properties. This amino acid position is not well conserved in available vertebrate species. In addition, this alteration is predicted to be tolerated by in silico analysis. Since supporting evidence is limited at this time, the clinical significance of this alteration remains unclear.